The following is an entry in ClinVar:

ClinVar aggregate classification (germline): Uncertain significance. Review status: criteria provided, multiple submitters, no conflicts (2 of 4 stars). 2 submissions from 2 submitters: Uncertain significance (2). Last evaluated 2026-04-09.

Conditions:
Granulomatous disease, chronic, autosomal recessive, cytochrome b-positive, type 3. Also called: Granulomatous disease, chronic, autosomal recessive, cytochrome b-positive, type III; GRANULOMATOUS DISEASE, CHRONIC, DUE TO NCF4 DEFICIENCY; GRANULOMATOUS DISEASE, CHRONIC, AUTOSOMAL RECESSIVE, 3; CGD, AUTOSOMAL RECESSIVE CYTOCHROME b-POSITIVE, TYPE III. Identifiers: Orphanet 379, MedGen C3151409, MONDO:0013507, OMIM 613960.

Allele frequency attached by ClinVar (database versions not stated): TOPMed 0.00003; gnomAD 0.00007.
gnomAD v4.1: 15 of 1,612,604 alleles (0.00093%); highest among the groups gnomAD compares: Admixed American, 0.022%; no homozygotes.

Submissions (2):

Women's Health and Genetics/Laboratory Corporation of America, LabCorp
Classification: Uncertain significance. Last evaluated: 2026-04-09. Review status: criteria provided, single submitter. Criteria: LabCorp Variant Classification Summary - May 2015. Collection method: clinical testing. Allele origin: germline.
Comment: Variant summary: NCF4 c.1019G>A (p.Arg340Lys) results in a conservative amino acid change in the encoded protein sequence. Algorithms developed to predict the effect of missense changes on protein structure and function are either unavailable or do not agree on the potential impact of this missense change. The variant allele was found at a frequency of 8e-06 in 249684 control chromosomes. The available data on variant occurrences in the general population are insufficient to allow any conclusion about variant significance. To our knowledge, no occurrence of c.1019G>A in individuals affected with NCF4-related conditions and no experimental evidence demonstrating its impact on protein function have been reported. ClinVar contains an entry for this variant (Variation ID: 944277). Based on the evidence outlined above, the variant was classified as uncertain significance.

Labcorp Genetics (formerly Invitae), Labcorp
Classification: Uncertain significance for Granulomatous disease, chronic, autosomal recessive, cytochrome b-positive, type 3. Last evaluated: 2021-08-27. Review status: criteria provided, single submitter. Criteria: Invitae Variant Classification Sherloc (09022015). Collection method: clinical testing. Allele origin: germline.
Comment: This sequence change replaces arginine with lysine at codon 340 of the NCF4 protein (p.Arg340Lys). The arginine residue is weakly conserved and there is a small physicochemical difference between arginine and lysine. This variant is not present in population databases (ExAC no frequency). This variant has not been reported in the literature in individuals affected with NCF4-related conditions. Algorithms developed to predict the effect of missense changes on protein structure and function output the following: SIFT: "Tolerated"; PolyPhen-2: "Benign"; Align-GVGD: "Class C0". The lysine amino acid residue is found in multiple mammalian species, which suggests that this missense change does not adversely affect protein function. In summary, the available evidence is currently insufficient to determine the role of this variant in disease. Therefore, it has been classified as a Variant of Uncertain Significance.

NM_000631.5(NCF4):c.774G>A (p.Glu258=)

Gene: NCF4 (neutrophil cytosolic factor 4; plus strand). Cytogenetic location: 22q12.3.
Variant type: single nucleotide variant.
Coding change: c.774G>A on transcript NM_000631.5 (MANE Select); coding-DNA position 774, G replaced by A.
Protein change: p.Glu258=; no amino-acid change (glutamic acid 258 retained).
Molecular consequence: synonymous variant. On other transcripts: missense variant (1).
Genome position (GRCh38, 1-based): chr22:36,876,044, G>A. VCF-style: chr22-36876044-G-A. GRCh37 (hg19) VCF-style: chr22-37272086-G-A.
Other names: c.1019G>A, p.Arg340Lys (NM_013416.4); short protein forms R340K.
Identifiers: ClinVar variation 944277 (VCV000944277.8), dbSNP rs1168483867, ClinGen allele CA411390431.